The following is an entry in ClinVar:

NM_002047.4(GARS1):c.1544T>C (p.Val515Ala)

Gene: GARS1 (glycyl-tRNA synthetase 1; plus strand). Cytogenetic location: 7p14.3.
Variant type: single nucleotide variant.
Coding change: c.1544T>C on transcript NM_002047.4 (MANE Select); coding-DNA position 1544, T replaced by C.
Protein change: p.Val515Ala; replaces valine 515 with alanine.
Molecular consequence: missense variant.
Genome position (GRCh38, 1-based): chr7:30,622,393, T>C. VCF-style: chr7-30622393-T-C. GRCh37 (hg19) VCF-style: chr7-30662009-T-C.
Other names: c.1382T>C, p.Val461Ala (NM_001316772.1); short protein forms V461A, V515A.
Identifiers: ClinVar variation 3252295 (VCV003252295.1), dbSNP rs2534321495.

ClinVar aggregate classification (germline): Uncertain significance (1 of 4 stars; one submission).

Allele frequency attached by ClinVar (database versions not stated): gnomAD exomes below 0.00001.

Submission:

GeneDx
Classification: Uncertain significance. Last evaluated: 2023-12-06. Review status: criteria provided, single submitter. Criteria: GeneDx Variant Classification Process June 2021. Collection method: clinical testing. Allele origin: germline. Affected: yes.
Comment: Not observed at significant frequency in large population cohorts (gnomAD); In silico analysis supports that this missense variant has a deleterious effect on protein structure/function; Has not been previously published as pathogenic or benign to our knowledge; This variant is associated with the following publications: (PMID: 25168514, 26138142, 26503042)